The following is an entry in ClinVar:

ClinVar aggregate classification (germline): Likely pathogenic (1 of 4 stars; one submission).

Submission:

Quest Diagnostics Nichols Institute San Juan Capistrano
Classification: Likely pathogenic. Last evaluated: 2020-12-29. Review status: criteria provided, single submitter. Criteria: Quest Diagnostics criteria. Collection method: clinical testing. Allele origin: unknown.
Comment: This frameshift variant alters the translational reading frame of the BRCA2 mRNA and is predicted to cause the premature termination of BRCA2 protein synthesis. To the best of our knowledge, the variant has not been reported in the published literature. This variant has not been reported in large, multi-ethnic general populations. Based on the available information, we predict that the variant is likely pathogenic.

NM_000059.4(BRCA2):c.3187_3188del (p.Gln1063fs)

Gene: BRCA2 (BRCA2 DNA repair associated; plus strand). Cytogenetic location: 13q13.1.
Variant type: Deletion.
Coding change: c.3187_3188del on transcript NM_000059.4 (MANE Select); coding-DNA positions 3187 to 3188, 2 bases deleted (CA; older notation c.3187_3188delCA).
Protein change: p.Gln1063fs; shifts the reading frame from glutamine 1063.
Molecular consequence: frameshift variant.
Genome position (GRCh38, 1-based): chr13:32,337,542-32,337,543, CA deleted. VCF-style (leftmost placement, unchanged base first): chr13-32337541-TCA-T. GRCh37 (hg19) VCF-style: chr13-32911678-TCA-T.
Other names: short protein forms Q1063fs.
Identifiers: ClinVar variation 1330053 (VCV001330053.1), dbSNP rs2137494105, ClinGen allele CA2573053806.
Genomic context (GRCh38, chr13:32,337,541, plus strand): 5'-AGCTTGTGTTGAAATTGTAAATACCTTGGCATTAGATAATCAAAAGAAACTGAGCAAGCC[TCA>T]GTCAATTAATACTGTATCTGCACATTTACAGAGTAGTGTAGTTGTTTCTGATTGTAAAAA-3'